The following is an entry in ClinVar:

NM_006060.6(IKZF1):c.79G>A (p.Gly27Ser)

Gene: IKZF1 (IKAROS family zinc finger 1; plus strand). Cytogenetic location: 7p12.2.
Variant type: single nucleotide variant.
Coding change: c.79G>A on transcript NM_006060.6 (MANE Select); coding-DNA position 79, G replaced by A.
Protein change: p.Gly27Ser; replaces glycine 27 with serine.
Molecular consequence: missense variant.
Genome position (GRCh38, 1-based): chr7:50,327,676, G>A. VCF-style: chr7-50327676-G-A. GRCh37 (hg19) VCF-style: chr7-50367272-G-A.
Other names: c.79G>A, p.Gly27Ser (NM_001220765.3, NM_001220767.2, NM_001220768.2 and 14 more transcripts); short protein forms G27S.
Identifiers: ClinVar variation 2780544 (VCV002780544.3), dbSNP rs749271573, ClinGen allele CA4261199.

ClinVar aggregate classification (germline): Uncertain significance (1 of 4 stars; one submission).

Allele frequency attached by ClinVar (database versions not stated): TOPMed below 0.00001; ExAC 0.00001; gnomAD exomes 0.00001.
gnomAD v4.1: 8 of 1,613,592 alleles (0.0005%); highest among the groups gnomAD compares: South Asian, 0.0055%; 1 homozygote.

Submission:

Labcorp Genetics (formerly Invitae), Labcorp
Classification: Uncertain significance. Last evaluated: 2024-04-25. Review status: criteria provided, single submitter. Criteria: Invitae Variant Classification Sherloc (09022015). Collection method: clinical testing. Allele origin: germline.
Comment: This sequence change replaces glycine, which is neutral and non-polar, with serine, which is neutral and polar, at codon 27 of the IKZF1 protein (p.Gly27Ser). This variant is present in population databases (rs749271573, gnomAD 0.01%), including at least one homozygous and/or hemizygous individual. This variant has not been reported in the literature in individuals affected with IKZF1-related conditions. Algorithms developed to predict the effect of missense changes on protein structure and function output the following: SIFT: "Not Available"; PolyPhen-2: "Benign"; Align-GVGD: "Not Available". The serine amino acid residue is found in multiple mammalian species, which suggests that this missense change does not adversely affect protein function. In summary, the available evidence is currently insufficient to determine the role of this variant in disease. Therefore, it has been classified as a Variant of Uncertain Significance.